The following is an entry in ClinVar:

NM_006280.3(SSR4):c.472C>T (p.Leu158Phe)

Gene: SSR4 (signal sequence receptor subunit 4; plus strand). Cytogenetic location: Xq28.
Variant type: single nucleotide variant.
Coding change: c.472C>T on transcript NM_006280.3 (MANE Select); coding-DNA position 472, C replaced by T.
Protein change: p.Leu158Phe; replaces leucine 158 with phenylalanine.
Molecular consequence: missense variant.
Genome position (GRCh38, 1-based): chrX:153,798,383, C>T. VCF-style: chrX-153798383-C-T. GRCh37 (hg19) VCF-style: chrX-153063838-C-T.
Other names: c.505C>T, p.Leu169Phe (NM_001204526.2); c.496C>T, p.Leu166Phe (NM_001204527.2); short protein forms L158F, L166F, L169F.
Identifiers: ClinVar variation 2227728 (VCV002227728.2), dbSNP rs2092155946, ClinGen allele CA415187328.

ClinVar aggregate classification (germline): Uncertain significance (1 of 4 stars; one submission).

Conditions:
Inborn genetic diseases. Identifiers: MedGen C0950123, MeSH D030342.

Allele frequency attached by ClinVar (database versions not stated): TOPMed below 0.00001; gnomAD exomes 0.00001.
gnomAD v4.1: 6 of 1,204,522 alleles (0.0005%); highest among the groups gnomAD compares: Non-Finnish European, 0.00067%; no homozygotes.

Submission:

Ambry Genetics
Classification: Uncertain significance for Inborn genetic diseases. Last evaluated: 2020-10-30. Review status: criteria provided, single submitter. Criteria: Ambry Variant Classification Scheme 2023. Collection method: clinical testing. Allele origin: germline.
Comment: The c.505C>T (p.L169F) alteration is located in exon 7 (coding exon 7) of the SSR4 gene. This alteration results from a C to T substitution at nucleotide position 505, causing the leucine (L) at amino acid position 169 to be replaced by a phenylalanine (F). Based on data from the Genome Aggregation Database (gnomAD), the SSR4 c.505C>T alteration was not observed, with coverage at this position. This amino acid position is not well conserved in available vertebrate species. The p.L169F alteration is predicted to be tolerated by in silico analysis. Based on insufficient or conflicting evidence, the clinical significance of this alteration remains unclear.